The following is an entry in ClinVar:

ClinVar aggregate classification (germline): Uncertain significance. Review status: criteria provided, multiple submitters, no conflicts (2 of 4 stars). 2 submissions from 2 submitters: Uncertain significance (2). Last evaluated 2025-06-08.

Allele frequency attached by ClinVar (database versions not stated): gnomAD 0.00001 and 0.00002; gnomAD exomes 0.00001.
gnomAD v4.1: 19 of 1,613,626 alleles (0.0012%); highest among the groups gnomAD compares: African/African-American, 0.0027%; no homozygotes.

Submissions (2):

Labcorp Genetics (formerly Invitae), Labcorp
Classification: Uncertain significance. Last evaluated: 2025-06-08. Review status: criteria provided, single submitter. Criteria: Invitae Variant Classification Sherloc (09022015). Collection method: clinical testing. Allele origin: germline.
Comment: This sequence change creates a premature translational stop signal (p.Arg285*) in the SAMD9 gene. While this is not anticipated to result in nonsense mediated decay, it is expected to disrupt the last 1305 amino acid(s) of the SAMD9 protein. This variant is present in population databases (rs553862328, gnomAD 0.002%). This variant has not been reported in the literature in individuals affected with SAMD9-related conditions. ClinVar contains an entry for this variant (Variation ID: 1338630). In summary, the available evidence is currently insufficient to determine the role of this variant in disease. Therefore, it has been classified as a Variant of Uncertain Significance.

Genetic Services Laboratory, University of Chicago
Classification: Uncertain significance. Last evaluated: 2021-03-05. Review status: criteria provided, single submitter. Criteria: ACMG Guidelines, 2015. Collection method: clinical testing. Allele origin: germline. Affected: no.
Comment: This sequence change is predicted to result in an abnormal transcript, which may be degraded, or may lead to the production of a truncated SAMD9 protein with potentially abnormal function. This sequence change does not appear to have been previously described in patients with SAMD9-related disorders and has been has been described in the gnomAD database with a low population frequency of 0.00080% (dbSNP rs553862328).The SAMD9 gene is expected to be tolerant of loss-of-function variation according to data from the Exome Aggregation Consortium (ExAC). The functional significance of this sequence change is not known at present.

NM_017654.4(SAMD9):c.853C>T (p.Arg285Ter)

Gene: SAMD9 (sterile alpha motif domain containing 9; minus strand). Cytogenetic location: 7q21.2.
Variant type: single nucleotide variant.
Coding change: c.853C>T on transcript NM_017654.4 (MANE Select); coding-DNA position 853, C replaced by T.
Protein change: p.Arg285Ter; replaces arginine 285 with a stop codon.
Molecular consequence: nonsense.
Genome position (GRCh38, 1-based): chr7:93,105,245, G>A on the plus strand (C>T on the coding strand, the complement: SAMD9 is on the minus strand). VCF-style: chr7-93105245-G-A. GRCh37 (hg19) VCF-style: chr7-92734558-G-A.
Other names: c.853C>T, p.Arg285Ter (NM_001193307.2); short protein forms R285*.
Identifiers: ClinVar variation 1338630 (VCV001338630.6), dbSNP rs553862328, ClinGen allele CA161994351.